The following is an entry in ClinVar:

ClinVar aggregate classification (germline): Uncertain significance (1 of 4 stars; one submission).

Submission:

Women's Health and Genetics/Laboratory Corporation of America, LabCorp
Classification: Uncertain significance. Last evaluated: 2024-05-29. Review status: criteria provided, single submitter. Criteria: LabCorp Variant Classification Summary - May 2015. Collection method: clinical testing. Allele origin: germline.
Comment: Variant summary: GNE c.271A>G (p.Met91Val) results in a conservative amino acid change located in the UDP-N-acetylglucosamine 2-epimerase domain (IPR003331) of the encoded protein sequence. Three of five in-silico tools predict a benign effect of the variant on protein function. The variant allele was found at a frequency of 4e-06 in 247844 control chromosomes. The available data on variant occurrences in the general population are insufficient to allow any conclusion about variant significance. c.271A>G has been reported in the literature in individuals affected with Inclusion Body Myopathy 2 without evidence for causality. These report(s) do not provide unequivocal conclusions about association of the variant with Inclusion Body Myopathy 2. To our knowledge, no experimental evidence demonstrating an impact on protein function has been reported. The following publications have been ascertained in the context of this evaluation (PMID: 24796702, 29305133). No submitters have cited clinical-significance assessments for this variant to ClinVar. Based on the evidence outlined above, the variant was classified as uncertain significance.

Literature cited by the submitters: PubMed 24796702; PubMed 29305133.

NM_005476.7(GNE):c.178A>G (p.Met60Val)

Gene: GNE (glucosamine (UDP-N-acetyl)-2-epimerase/N-acetylmannosamine kinase; minus strand). Cytogenetic location: 9p13.3.
Variant type: single nucleotide variant.
Coding change: c.178A>G on transcript NM_005476.7 (MANE Select); coding-DNA position 178, A replaced by G.
Protein change: p.Met60Val; replaces methionine 60 with valine.
Molecular consequence: missense variant. On other transcripts: initiator codon variant (3).
Genome position (GRCh38, 1-based): chr9:36,246,469, T>C on the plus strand (A>G on the coding strand, the complement: GNE is on the minus strand). VCF-style: chr9-36246469-T-C. GRCh37 (hg19) VCF-style: chr9-36246466-T-C.
Other names: c.271A>G, p.Met91Val (NM_001128227.3); c.178A>G, p.Met60Val (NM_001190383.3, NM_001374797.1); c.1A>G, p.Met1Val (NM_001190384.3, NM_001190388.2, NM_001374798.1); short protein forms M1V, M60V, M91V.
Identifiers: ClinVar variation 3336306 (VCV003336306.1).